The following is an entry in ClinVar:

NM_015102.5(NPHP4):c.2126A>T (p.Asp709Val)

Gene: NPHP4 (nephrocystin 4; minus strand). Cytogenetic location: 1p36.31.
Variant type: single nucleotide variant.
Coding change: c.2126A>T on transcript NM_015102.5 (MANE Select); coding-DNA position 2126, A replaced by T.
Protein change: p.Asp709Val; replaces aspartic acid 709 with valine.
Molecular consequence: missense variant. On other transcripts: non-coding transcript variant (1).
Genome position (GRCh38, 1-based): chr1:5,904,634, T>A on the plus strand (A>T on the coding strand, the complement: NPHP4 is on the minus strand). VCF-style: chr1-5904634-T-A. GRCh37 (hg19) VCF-style: chr1-5964694-T-A.
Other names: c.587A>T, p.Asp196Val (NM_001291593.2); c.590A>T, p.Asp197Val (NM_001291594.2); short protein forms D196V, D709V, D197V.
Identifiers: ClinVar variation 1045837 (VCV001045837.9), dbSNP rs926092150, ClinGen allele CA338052855.

ClinVar aggregate classification (germline): Uncertain significance (1 of 4 stars; one submission).

Conditions:
Nephronophthisis. Also called: Juvenile Nephronophthisis. Identifiers: Orphanet 655, MedGen C0687120, MONDO:0019005, HP:0000090.

gnomAD v4.1: 3 of 1,610,626 alleles (0.00019%); highest among the groups gnomAD compares: South Asian, 0.0022%; no homozygotes.

Submission:

Labcorp Genetics (formerly Invitae), Labcorp
Classification: Uncertain significance for Nephronophthisis. Last evaluated: 2022-11-22. Review status: criteria provided, single submitter. Criteria: Invitae Variant Classification Sherloc (09022015). Collection method: clinical testing. Allele origin: germline.
Comment: This variant is not present in population databases (gnomAD no frequency). In summary, the available evidence is currently insufficient to determine the role of this variant in disease. Therefore, it has been classified as a Variant of Uncertain Significance. Advanced modeling of protein sequence and biophysical properties (such as structural, functional, and spatial information, amino acid conservation, physicochemical variation, residue mobility, and thermodynamic stability) performed at Invitae indicates that this missense variant is expected to disrupt NPHP4 protein function. ClinVar contains an entry for this variant (Variation ID: 1045837). This variant has not been reported in the literature in individuals affected with NPHP4-related conditions. This sequence change replaces aspartic acid, which is acidic and polar, with valine, which is neutral and non-polar, at codon 709 of the NPHP4 protein (p.Asp709Val).